The following is an entry in ClinVar:

ClinVar aggregate classification (germline): Pathogenic (1 of 4 stars; one submission).

Conditions:
Familial thoracic aortic aneurysm and aortic dissection (TAAD). Also called: Thoracic aortic aneurysms and dissections. Identifiers: Orphanet 91387, MedGen C4707243, MONDO:0019625.
Hereditary cancer-predisposing syndrome. Also called: Tumor predisposition; Hereditary neoplastic syndrome; Neoplastic Syndromes, Hereditary; Hereditary Cancer Syndrome. Identifiers: Orphanet 140162, MedGen C0027672, MeSH D009386, MONDO:0015356.

Submission:

Ambry Genetics
Classification: Pathogenic for Hereditary cancer-predisposing syndrome; Familial thoracic aortic aneurysm and aortic dissection. Last evaluated: 2018-10-04. Review status: criteria provided, single submitter. Criteria: Ambry Variant Classification Scheme 2023. Collection method: clinical testing. Allele origin: germline.
Comment: The c.1311delC pathogenic mutation, located in coding exon 10 of the SMAD4 gene, results from a deletion of one nucleotide at nucleotide position 1311, causing a translational frameshift with a predicted alternate stop codon (p.F438Lfs*38). This alteration is expected to result in loss of function by premature protein truncation or nonsense-mediated mRNA decay. As such, this alteration is interpreted as a disease-causing mutation.

NM_005359.6(SMAD4):c.1311del (p.Phe438fs)

Gene: SMAD4 (SMAD family member 4; plus strand). Cytogenetic location: 18q21.2.
Variant type: Deletion.
Coding change: c.1311del on transcript NM_005359.6 (MANE Select); coding-DNA position 1311, one base deleted (C; older notation c.1311delC).
Protein change: p.Phe438fs; shifts the reading frame from phenylalanine 438.
Molecular consequence: frameshift variant.
Genome position (GRCh38, 1-based): chr18:51,076,640, C deleted. VCF-style (leftmost placement, unchanged base first): chr18-51076639-TC-T. GRCh37 (hg19) VCF-style: chr18-48603009-TC-T.
Other names: short protein forms F438fs.
Identifiers: ClinVar variation 818869 (VCV000818869.4), dbSNP rs1599204042, ClinGen allele CA915951540.